The following is an entry in ClinVar:

ClinVar aggregate classification (germline): Uncertain significance. Review status: criteria provided, multiple submitters, no conflicts (2 of 4 stars). 2 submissions from 2 submitters: Uncertain significance (2). Last evaluated 2024-07-09.

Conditions:
Primary ciliary dyskinesia. Also called: Ciliary dyskinesia. Identifiers: Orphanet 244, MedGen C0008780, MONDO:0016575, HP:0012265.

Submissions (2):

Ambry Genetics
Classification: Uncertain significance for Primary ciliary dyskinesia. Last evaluated: 2024-07-09. Review status: criteria provided, single submitter. Criteria: Ambry Variant Classification Scheme 2023. Collection method: clinical testing. Allele origin: germline.

Labcorp Genetics (formerly Invitae), Labcorp
Classification: Uncertain significance for Primary ciliary dyskinesia. Last evaluated: 2022-09-07. Review status: criteria provided, single submitter. Criteria: Invitae Variant Classification Sherloc (09022015). Collection method: clinical testing. Allele origin: germline.
Comment: In summary, the available evidence is currently insufficient to determine the role of this variant in disease. Therefore, it has been classified as a Variant of Uncertain Significance. Algorithms developed to predict the effect of sequence changes on RNA splicing suggest that this variant may create or strengthen a splice site. Advanced modeling of protein sequence and biophysical properties (such as structural, functional, and spatial information, amino acid conservation, physicochemical variation, residue mobility, and thermodynamic stability) performed at Invitae indicates that this missense variant is not expected to disrupt DNAH11 protein function. ClinVar contains an entry for this variant (Variation ID: 959655). This variant has not been reported in the literature in individuals affected with DNAH11-related conditions. This variant is not present in population databases (gnomAD no frequency). This sequence change replaces aspartic acid, which is acidic and polar, with glutamic acid, which is acidic and polar, at codon 1753 of the DNAH11 protein (p.Asp1753Glu).

NM_001277115.2(DNAH11):c.5259T>G (p.Asp1753Glu)

Gene: DNAH11 (dynein axonemal heavy chain 11; plus strand). Cytogenetic location: 7p15.3.
Variant type: single nucleotide variant.
Coding change: c.5259T>G on transcript NM_001277115.2 (MANE Select); coding-DNA position 5259, T replaced by G.
Protein change: p.Asp1753Glu; replaces aspartic acid 1753 with glutamic acid.
Molecular consequence: missense variant.
Genome position (GRCh38, 1-based): chr7:21,658,962, T>G. VCF-style: chr7-21658962-T-G. GRCh37 (hg19) VCF-style: chr7-21698580-T-G.
Other names: short protein forms D1753E.
Identifiers: ClinVar variation 959655 (VCV000959655.9), dbSNP rs765453467, ClinGen allele CA366940088.
Genomic context (GRCh38, chr7:21,658,962, plus strand): 5'-GATTTTTGATTTCCCAGCTCAGGTTGCACTAACCAGCTCACAAATATGGTGGACCACAGA[T>G]GTAGGAATAGCCTTCAGTAGACTGGAAGAAGGCTACGAAACAGCCCTGAAGGATTTCCAT-3'
Protein context (NP_001264044.1, residues 1743-1763): LTSSQIWWTT[Asp1753Glu]VGIAFSRLEE